The following is an entry in ClinVar:

ClinVar aggregate classification (germline): Pathogenic (1 of 4 stars; one submission).

Conditions:
Dilated cardiomyopathy 1J (CMD1J). Also called: CARDIOMYOPATHY, DILATED, WITH SENSORINEURAL HEARING LOSS, AUTOSOMAL DOMINANT. Identifiers: Orphanet 217622, MedGen C1854368, MONDO:0011541, OMIM 605362.

Submission:

Labcorp Genetics (formerly Invitae), Labcorp
Classification: Pathogenic for Dilated cardiomyopathy 1J. Last evaluated: 2022-02-23. Review status: criteria provided, single submitter. Criteria: Invitae Variant Classification Sherloc (09022015). Collection method: clinical testing. Allele origin: germline.
Comment: This sequence change creates a premature translational stop signal (p.Gln431*) in the EYA4 gene. It is expected to result in an absent or disrupted protein product. Loss-of-function variants in EYA4 are known to be pathogenic (PMID: 11159937, 25781927, 25963406). This variant is not present in population databases (gnomAD no frequency). This variant has not been reported in the literature in individuals affected with EYA4-related conditions. Algorithms developed to predict the effect of sequence changes on RNA splicing suggest that this variant may disrupt the consensus splice site. For these reasons, this variant has been classified as Pathogenic.

Literature cited by the submitters: PubMed 11159937; PubMed 25781927; PubMed 25963406.

NM_004100.5(EYA4):c.1291C>T (p.Gln431Ter)

Genes: TARID (TCF21 antisense RNA inducing promoter demethylation; minus strand), EYA4 (EYA transcriptional coactivator and phosphatase 4; plus strand). Cytogenetic location: 6q23.2.
Variant type: single nucleotide variant.
Coding change: c.1291C>T on transcript NM_004100.5 (MANE Select); coding-DNA position 1291, C replaced by T.
Protein change: p.Gln431Ter; replaces glutamine 431 with a stop codon.
Molecular consequence: nonsense.
Genome position (GRCh38, 1-based): chr6:133,512,730, C>T. VCF-style: chr6-133512730-C-T. GRCh37 (hg19) VCF-style: chr6-133833868-C-T.
Other names: c.1129C>T, p.Gln377Ter (NM_001301012.2); c.1309C>T, p.Gln437Ter (NM_001301013.2); c.1222C>T, p.Gln408Ter (NM_001370458.1, NM_172103.4); c.1147C>T, p.Gln383Ter (NM_001370459.1); c.1291C>T, p.Gln431Ter (NM_172105.4); short protein forms Q377*, Q383*, Q408*, Q431*, Q437*.
Identifiers: ClinVar variation 2102688 (VCV002102688.4), dbSNP rs2535335554, ClinGen allele CA365714563.